The following is an entry in ClinVar:

NM_005762.3(TRIM28):c.684C>T (p.Thr228=)

Gene: TRIM28 (tripartite motif containing 28; plus strand). Cytogenetic location: 19q13.43.
Variant type: single nucleotide variant.
Coding change: c.684C>T on transcript NM_005762.3 (MANE Select); coding-DNA position 684, C replaced by T.
Protein change: p.Thr228=; no amino-acid change (threonine 228 retained).
Molecular consequence: synonymous variant.
Genome position (GRCh38, 1-based): chr19:58,547,473, C>T. VCF-style: chr19-58547473-C-T. GRCh37 (hg19) VCF-style: chr19-59058840-C-T.
Identifiers: ClinVar variation 3612699 (VCV003612699.2).

ClinVar aggregate classification (germline): Uncertain significance (1 of 4 stars; one submission).

gnomAD v4.1: 44 of 1,613,924 alleles (0.0027%); highest among the groups gnomAD compares: African/African-American, 0.0093%; no homozygotes.

Submission:

Labcorp Genetics (formerly Invitae), Labcorp
Classification: Uncertain significance. Last evaluated: 2024-08-27. Review status: criteria provided, single submitter. Criteria: Invitae Variant Classification Sherloc (09022015). Collection method: clinical testing. Allele origin: germline.
Comment: This sequence change affects codon 228 of the TRIM28 mRNA. It is a 'silent' change, meaning that it does not change the encoded amino acid sequence of the TRIM28 protein. This variant is present in population databases (rs749334871, gnomAD 0.01%). This variant has not been reported in the literature in individuals affected with TRIM28-related conditions. Experimental studies and prediction algorithms are not available or were not evaluated, and the effect of this variant on mRNA splicing is currently unknown. In summary, the available evidence is currently insufficient to determine the role of this variant in disease. Therefore, it has been classified as a Variant of Uncertain Significance.